The following is an entry in ClinVar:

NM_016628.5(WAC):c.350dup (p.Ser118fs)

Gene: WAC (WW domain containing adaptor with coiled-coil; plus strand). Cytogenetic location: 10p12.1.
Variant type: Duplication.
Coding change: c.350dup on transcript NM_016628.5 (MANE Select); coding-DNA position 350, one base duplicated (C; older notation c.350dupC).
Protein change: p.Ser118fs; shifts the reading frame from serine 118.
Molecular consequence: frameshift variant.
Genome position (GRCh38, 1-based): chr10:28,583,474, C duplicated; the last of 2 consecutive C bases (chr10:28,583,473-28,583,474); duplicating either gives the same sequence. VCF-style (leftmost placement, unchanged base first): chr10-28583472-T-TC. GRCh37 (hg19) VCF-style: chr10-28872401-T-TC.
Other names: c.215dup, p.Ser73fs (NM_100264.3); c.350dup, p.Ser118fs (NM_100486.4); short protein forms S118fs, S73fs.
Identifiers: ClinVar variation 2501366 (VCV002501366.1), dbSNP rs2491927303, ClinGen allele CA2580615445.

ClinVar aggregate classification (germline): Pathogenic (1 of 4 stars; one submission).

Submission:

GeneDx
Classification: Pathogenic. Last evaluated: 2022-11-07. Review status: criteria provided, single submitter. Criteria: GeneDx Variant Classification Process June 2021. Collection method: clinical testing. Allele origin: germline. Affected: yes.
Comment: Frameshift variant predicted to result in protein truncation or nonsense mediated decay in a gene for which loss of function is a known mechanism of disease; Not observed at significant frequency in large population cohorts (gnomAD); Has not been previously published as pathogenic or benign to our knowledge